The following is an entry in ClinVar:

NM_001134407.3(GRIN2A):c.2852G>T (p.Gly951Val)

Gene: GRIN2A (glutamate ionotropic receptor NMDA type subunit 2A; minus strand). Cytogenetic location: 16p13.2.
Variant type: single nucleotide variant.
Coding change: c.2852G>T on transcript NM_001134407.3 (MANE Select); coding-DNA position 2852, G replaced by T.
Protein change: p.Gly951Val; replaces glycine 951 with valine.
Molecular consequence: missense variant.
Genome position (GRCh38, 1-based): chr16:9,764,692, C>A on the plus strand (G>T on the coding strand, the complement: GRIN2A is on the minus strand). VCF-style: chr16-9764692-C-A. GRCh37 (hg19) VCF-style: chr16-9858549-C-A.
Other names: p.G951V:GGG>GTG; c.2852G>T, p.Gly951Val (NM_000833.5, NM_001134408.2); short protein forms G951V.
Identifiers: ClinVar variation 205643 (VCV000205643.64), dbSNP rs139795367, ClinGen allele CA314923.

ClinVar aggregate classification (germline): Benign/Likely benign. Review status: criteria provided, multiple submitters, no conflicts (2 of 4 stars). 8 submissions from 8 submitters: Benign (1); Likely benign (7). Last evaluated 2026-01-15.

Conditions:
GRIN2A-related complex neurodevelopmental disorder. Also called: GRIN2A-related disorder; GRIN2A-related condition. Identifiers: MedGen CN379781, MONDO:1060139.
Landau-Kleffner syndrome (FESD). Also called: EPILEPSY, FOCAL, WITH SPEECH DISORDER AND WITH OR WITHOUT MENTAL RETARDATION; APHASIA, ACQUIRED, WITH EPILEPSY. Identifiers: Orphanet 1945, Orphanet 725, Orphanet 98818, MedGen C0282512, MONDO:0009509, OMIM 245570.

Allele frequency attached by ClinVar (database versions not stated): TOPMed 0.00018; ESP Exome Variant Server 0.00038; gnomAD 0.00042; 1000 Genomes Project 30x 0.00047; ExAC 0.00055; 1000 Genomes Project 0.00060; gnomAD exomes 0.00064.
gnomAD v4.1: 516 of 1,614,202 alleles (0.032%); highest among the groups gnomAD compares: Non-Finnish European, 0.023%; no homozygotes.

Submissions (8):

Labcorp Genetics (formerly Invitae), Labcorp
Classification: Likely benign for Landau-Kleffner syndrome. Last evaluated: 2026-01-15. Review status: criteria provided, single submitter. Criteria: Invitae Variant Classification Sherloc (09022015). Collection method: clinical testing. Allele origin: germline.

PreventionGenetics, part of Exact Sciences
Classification: Likely benign for GRIN2A-related condition. Last evaluated: 2025-11-20. Review status: criteria provided, single submitter. Criteria: ACMG Guidelines, 2015. Collection method: clinical testing. Allele origin: germline.
Comment: This variant is classified as likely benign based on ACMG/AMP sequence variant interpretation guidelines (Richards et al. 2015 PMID: 25741868, with internal and published modifications).

CeGaT Center for Human Genetics Tuebingen
Classification: Likely benign. Last evaluated: 2025-06-01. Review status: criteria provided, single submitter. Criteria: CeGaT Center For Human Genetics Tuebingen Variant Classification Criteria Version 2. Collection method: clinical testing. Allele origin: germline. Affected: yes. Observed: 6 variant alleles.
Comment: GRIN2A: BS1

Blueprint Genetics
Classification: Likely benign. Last evaluated: 2024-10-17. Review status: criteria provided, single submitter. Criteria: ACMG Guidelines, 2015. Collection method: clinical testing. Allele origin: germline.

Mendelics
Classification: Likely benign for Landau-Kleffner syndrome. Last evaluated: 2019-05-28. Review status: criteria provided, single submitter. Criteria: Mendelics Assertion Criteria 2017. Collection method: clinical testing. Allele origin: unknown.

Illumina Laboratory Services, Illumina
Classification: Benign for Landau-Kleffner syndrome. Last evaluated: 2018-01-12. Review status: criteria provided, single submitter. Criteria: ICSL Variant Classification Criteria 13 December 2019. Collection method: clinical testing. Allele origin: germline.
Comment: This variant was observed in the ICSL laboratory as part of a predisposition screen in an ostensibly healthy population. It had not been previously curated by ICSL or reported in the Human Gene Mutation Database (HGMD: prior to June 1st, 2018), and was therefore a candidate for classification through an automated scoring system. Utilizing variant allele frequency, disease prevalence and penetrance estimates, and inheritance mode, an automated score was calculated to assess if this variant is too frequent to cause the disease. Based on the score and internal cut-off values, a variant classified as benign is not then subjected to further curation. The score for this variant resulted in a classification of benign for this disease.

Eurofins Ntd Llc (ga)
Classification: Likely benign. Last evaluated: 2017-10-16. Review status: criteria provided, single submitter. Criteria: EGL Classification Definitions 2015. Collection method: clinical testing. Allele origin: germline. Observed: 1 variant allele, 1 heterozygote.

GeneDx
Classification: Likely benign. Last evaluated: 2015-07-06. Review status: criteria provided, single submitter. Criteria: GeneDx Variant Classification (06012015). Collection method: clinical testing. Allele origin: germline. Affected: yes.
Comment: This variant is considered likely benign or benign based on one or more of the following criteria: it is a conservative change, it occurs at a poorly conserved position in the protein, it is predicted to be benign by multiple in silico algorithms, and/or has population frequency not consistent with disease.